The following is an entry in ClinVar:

NM_001163809.2(WDR81):c.1585C>G (p.Arg529Gly)

Gene: WDR81 (WD repeat domain 81; plus strand). Cytogenetic location: 17p13.3.
Variant type: single nucleotide variant.
Coding change: c.1585C>G on transcript NM_001163809.2 (MANE Select); coding-DNA position 1585, C replaced by G.
Protein change: p.Arg529Gly; replaces arginine 529 with glycine.
Molecular consequence: missense variant. On other transcripts: intron variant (3).
Genome position (GRCh38, 1-based): chr17:1,726,544, C>G. VCF-style: chr17-1726544-C-G. GRCh37 (hg19) VCF-style: chr17-1629838-C-G.
Other names: c.-123-1446C>G (NM_152348.4); c.59-3836C>G (NM_001163673.2); c.-15+1758C>G (NM_001163811.2); short protein forms R529G.
Identifiers: ClinVar variation 2312125 (VCV002312125.4), dbSNP rs779405050, ClinGen allele CA8273057.
Genomic context (GRCh38, chr17:1,726,544, plus strand): 5'-ATGCCTGACCTGGATGTGCCAGCCTGGTGCAGCTCCAGCCAGGAGTTCGTAGCTGCCCAC[C>G]GAGCCCTGCTGGAGAGCCGCGAGGTATCCCGGGACCTGCACCATTGGATCGACCTCACGT-3'
Protein context (NP_001157281.1, residues 519-539): SSSQEFVAAH[Arg529Gly]ALLESREVSR

ClinVar aggregate classification (germline): Uncertain significance. Review status: criteria provided, single submitter (1 of 4 stars). 2 submissions from 2 submitters: Uncertain significance (1). 1 of the submissions does not count toward it. Last evaluated 2022-09-14.

Conditions:
Inborn genetic diseases. Identifiers: MedGen C0950123, MeSH D030342.
WDR81-related disorder. Also called: WDR81-related condition.

gnomAD v4.1: 48 of 1,550,292 alleles (0.0031%); highest among the groups gnomAD compares: Middle Eastern, 0.05%; no homozygotes.

Submissions (2):

Ambry Genetics
Classification: Uncertain significance for Inborn genetic diseases. Last evaluated: 2022-09-14. Review status: criteria provided, single submitter. Criteria: Ambry Variant Classification Scheme 2023. Collection method: clinical testing. Allele origin: germline.

PreventionGenetics, part of Exact Sciences
Classification: Uncertain significance for WDR81-related condition. Last evaluated: 2023-12-21. Review status: no assertion criteria provided. Collection method: clinical testing. Allele origin: germline. Not counted in ClinVar's aggregate classification.
Comment: The WDR81 c.1585C>G variant is predicted to result in the amino acid substitution p.Arg529Gly. To our knowledge, this variant has not been reported in the literature. This variant is reported in 0.026% of alleles in individuals of South Asian descent in gnomAD. At this time, the clinical significance of this variant is uncertain due to the absence of conclusive functional and genetic evidence.